The following is an entry in ClinVar:

ClinVar aggregate classification (germline): Uncertain significance (1 of 4 stars; one submission).

Conditions:
Benign neonatal seizures. Also called: Convulsions benign familial neonatal dominant form; Autosomal dominant form of benign neonatal seizures; Benign familial neonatal seizures; Benign familial neonatal epilepsy; Benign neonatal familial convulsions. Identifiers: Orphanet 1949, MedGen C0220669, MONDO:0016027.

Allele frequency attached by ClinVar (database versions not stated): ExAC 0.00001; gnomAD 0.00001; gnomAD exomes 0.00001; TOPMed 0.00001; ESP Exome Variant Server 0.00008.
gnomAD v4.1: 22 of 1,590,728 alleles (0.0014%); highest among the groups gnomAD compares: Non-Finnish European, 0.0018%; no homozygotes.

Submission:

Labcorp Genetics (formerly Invitae), Labcorp
Classification: Uncertain significance for Benign neonatal seizures. Last evaluated: 2021-02-01. Review status: criteria provided, single submitter. Criteria: Invitae Variant Classification Sherloc (09022015). Collection method: clinical testing. Allele origin: germline.
Comment: This variant is present in population databases (rs374984158, ExAC 0.002%). This sequence change replaces alanine with serine at codon 59 of the KCNQ3 protein (p.Ala59Ser). The alanine residue is weakly conserved and there is a moderate physicochemical difference between alanine and serine. This variant has not been reported in the literature in individuals with KCNQ3-related conditions. Advanced modeling of protein sequence and biophysical properties (such as structural, functional, and spatial information, amino acid conservation, physicochemical variation, residue mobility, and thermodynamic stability) performed at Invitae indicates that this missense variant is not expected to disrupt KCNQ3 protein function. Algorithms developed to predict the effect of sequence changes on RNA splicing suggest that this variant may create or strengthen a splice site, but this prediction has not been confirmed by published transcriptional studies. In summary, the available evidence is currently insufficient to determine the role of this variant in disease. Therefore, it has been classified as a Variant of Uncertain Significance.

NM_004519.4(KCNQ3):c.175G>T (p.Ala59Ser)

Gene: KCNQ3 (potassium voltage-gated channel subfamily Q member 3; minus strand). Cytogenetic location: 8q24.22.
Variant type: single nucleotide variant.
Coding change: c.175G>T on transcript NM_004519.4 (MANE Select); coding-DNA position 175, G replaced by T.
Protein change: p.Ala59Ser; replaces alanine 59 with serine.
Molecular consequence: missense variant.
Genome position (GRCh38, 1-based): chr8:132,480,358, C>A on the plus strand (G>T on the coding strand, the complement: KCNQ3 is on the minus strand). VCF-style: chr8-132480358-C-A. GRCh37 (hg19) VCF-style: chr8-133492605-C-A.
Other names: short protein forms A59S.
Identifiers: ClinVar variation 1510244 (VCV001510244.8), dbSNP rs374984158, ClinGen allele CA4881008.
Genomic context (GRCh38, chr8:132,480,358, plus strand): 5'-GCTGCCCCTCGTCGCGGCCGCCGCCCTCCAGCAGCAGGGTCCCGTCTTTGTCGGCTCCGG[C>A]CCCGAGCGCCAAGGTGACTTGCTCCACGTCGCCGGGCGCCAGCCCCACTTTCCGCTCCTC-3'
Protein context (NP_004510.1, residues 49-69): DVEQVTLALG[Ala59Ser]GADKDGTLLL